The following is an entry in ClinVar:

ClinVar aggregate classification (germline): Uncertain significance (1 of 4 stars; one submission).

Conditions:
Inborn genetic diseases. Identifiers: MedGen C0950123, MeSH D030342.

gnomAD v4.1: 1 of 1,614,192 alleles (0.000062%); highest among the groups gnomAD compares: Non-Finnish European, 0.000085%; no homozygotes.

Submission:

Ambry Genetics
Classification: Uncertain significance for Inborn genetic diseases. Last evaluated: 2026-02-16. Review status: criteria provided, single submitter. Criteria: Ambry Variant Classification Scheme 2023. Collection method: clinical testing. Allele origin: germline.
Comment: The p.E158G variant (also known as c.473A>G), located in coding exon 6 of the DDX41 gene, results from an A to G substitution at nucleotide position 473. The glutamic acid at codon 158 is replaced by glycine, an amino acid with similar properties. This amino acid position is conserved. In addition, this alteration is predicted to be tolerated by in silico analysis. Based on the available evidence, the clinical significance of this variant remains unclear.

NM_016222.4(DDX41):c.473A>G (p.Glu158Gly)

Gene: DDX41 (DEAD-box helicase 41; minus strand). Cytogenetic location: 5q35.3.
Variant type: single nucleotide variant.
Coding change: c.473A>G on transcript NM_016222.4 (MANE Select); coding-DNA position 473, A replaced by G.
Protein change: p.Glu158Gly; replaces glutamic acid 158 with glycine.
Molecular consequence: missense variant.
Genome position (GRCh38, 1-based): chr5:177,515,783, T>C on the plus strand (A>G on the coding strand, the complement: DDX41 is on the minus strand). VCF-style: chr5-177515783-T-C. GRCh37 (hg19) VCF-style: chr5-176942784-T-C.
Other names: c.95A>G, p.Glu32Gly (NM_001321732.2, NM_001321830.2); short protein forms E158G, E32G.
Identifiers: ClinVar variation 4844610 (VCV004844610.1).
Genomic context (GRCh38, chr5:177,515,783, plus strand): 5'-GGTGGGATACCGTCTCCCTCCACCAGGATGTGGTATTTCTTCCGCACGCGCTCATGTCGC[T>C]CTTCAGACATGCTCAGAACATAACGGGGTGGAGTCCAGCTGTGGATGGGTAACAGGGATC-3'
Protein context (NP_057306.2, residues 148-168): PPRYVLSMSE[Glu158Gly]RHERVRKKYH